The following is an entry in ClinVar:

ClinVar aggregate classification (germline): Pathogenic (1 of 4 stars; one submission).

Conditions:
Hereditary cancer-predisposing syndrome. Also called: Neoplastic Syndromes, Hereditary; Tumor predisposition; Hereditary Cancer Syndrome; Hereditary neoplastic syndrome. Identifiers: Orphanet 140162, MedGen C0027672, MeSH D009386, MONDO:0015356.

Submission:

Labcorp Genetics (formerly Invitae), Labcorp
Classification: Pathogenic for Hereditary cancer-predisposing syndrome. Last evaluated: 2022-12-15. Review status: criteria provided, single submitter. Criteria: Invitae Variant Classification Sherloc (09022015). Collection method: clinical testing. Allele origin: germline.
Comment: For these reasons, this variant has been classified as Pathogenic. This variant has not been reported in the literature in individuals affected with RAD50-related conditions. This variant is not present in population databases (gnomAD no frequency). This sequence change creates a premature translational stop signal (p.Gly1080Valfs*28) in the RAD50 gene. It is expected to result in an absent or disrupted protein product. Loss-of-function variants in RAD50 are known to be pathogenic (PMID: 19409520).

Literature cited by the submitters: PubMed 19409520.

NM_005732.4(RAD50):c.3239del (p.Gly1080fs)

Gene: RAD50 (RAD50 double strand break repair protein; plus strand). Cytogenetic location: 5q31.1.
Variant type: Deletion.
Coding change: c.3239del on transcript NM_005732.4 (MANE Select); coding-DNA position 3239, one base deleted (G; older notation c.3239delG).
Protein change: p.Gly1080fs; shifts the reading frame from glycine 1080.
Molecular consequence: frameshift variant.
Genome position (GRCh38, 1-based): chr5:132,618,144, G deleted; the last of 2 consecutive G bases (chr5:132,618,143-132,618,144); deleting either gives the same sequence. VCF-style (leftmost placement, unchanged base first): chr5-132618142-AG-A. GRCh37 (hg19) VCF-style: chr5-131953834-AG-A.
Other names: short protein forms G1080fs.
Identifiers: ClinVar variation 2820969 (VCV002820969.3), dbSNP rs2479388398, ClinGen allele CA2739275042.
Genomic context (GRCh38, chr5:132,618,142, plus strand): 5'-GTTGGAAGAGAACATAGACAATATAAAAAGAAATCATAATTTGGCATTAGGGCGACAGAA[AG>A]GTTATGAAGAAGAAATTATTCATTTTAAGAAAGAACTTCGAGAACCACAATTTCGGGATG-3'